The following is an entry in ClinVar:

ClinVar aggregate classification (germline): Uncertain significance. Review status: criteria provided, multiple submitters, no conflicts (2 of 4 stars). 2 submissions from 2 submitters: Uncertain significance (2). Last evaluated 2025-07-23.

Conditions:
Cardiovascular phenotype. Identifiers: MedGen CN230736.
Brugada syndrome 8 (BRGDA8). Identifiers: Orphanet 130, MedGen C2751083, MONDO:0013148, OMIM 613123.

Allele frequency attached by ClinVar (database versions not stated): TOPMed below 0.00001; gnomAD 0.00001.
gnomAD v4.1: 3 of 1,532,340 alleles (0.0002%); highest among the groups gnomAD compares: East Asian, 0.0023%; no homozygotes.

Submissions (2):

Labcorp Genetics (formerly Invitae), Labcorp
Classification: Uncertain significance for Brugada syndrome 8. Last evaluated: 2025-07-23. Review status: criteria provided, single submitter. Criteria: Invitae Variant Classification Sherloc (09022015). Collection method: clinical testing. Allele origin: germline.
Comment: This sequence change replaces proline, which is neutral and non-polar, with glutamine, which is neutral and polar, at codon 960 of the HCN4 protein (p.Pro960Gln). This variant is not present in population databases (gnomAD no frequency). This variant has not been reported in the literature in individuals affected with HCN4-related conditions. ClinVar contains an entry for this variant (Variation ID: 940039). Invitae Evidence Modeling of protein sequence and biophysical properties (such as structural, functional, and spatial information, amino acid conservation, physicochemical variation, residue mobility, and thermodynamic stability) indicates that this missense variant is not expected to disrupt HCN4 protein function with a negative predictive value of 95%. In summary, the available evidence is currently insufficient to determine the role of this variant in disease. Therefore, it has been classified as a Variant of Uncertain Significance.

Ambry Genetics
Classification: Uncertain significance for Cardiovascular phenotype. Last evaluated: 2021-11-09. Review status: criteria provided, single submitter. Criteria: Ambry Variant Classification Scheme 2023. Collection method: clinical testing. Allele origin: germline.
Comment: The p.P960Q variant (also known as c.2879C>A), located in coding exon 8 of the HCN4 gene, results from a C to A substitution at nucleotide position 2879. The proline at codon 960 is replaced by glutamine, an amino acid with similar properties. This amino acid position is conserved. In addition, the in silico prediction for this alteration is inconclusive. Since supporting evidence is limited at this time, the clinical significance of this alteration remains unclear.

NM_005477.3(HCN4):c.2879C>A (p.Pro960Gln)

Gene: HCN4 (hyperpolarization activated cyclic nucleotide gated potassium channel 4; minus strand). Cytogenetic location: 15q24.1.
Variant type: single nucleotide variant.
Coding change: c.2879C>A on transcript NM_005477.3 (MANE Select); coding-DNA position 2879, C replaced by A.
Protein change: p.Pro960Gln; replaces proline 960 with glutamine.
Molecular consequence: missense variant.
Genome position (GRCh38, 1-based): chr15:73,323,214, G>T on the plus strand (C>A on the coding strand, the complement: HCN4 is on the minus strand). VCF-style: chr15-73323214-G-T. GRCh37 (hg19) VCF-style: chr15-73615555-G-T.
Other names: short protein forms P960Q.
Identifiers: ClinVar variation 940039 (VCV000940039.10), dbSNP rs2042874463, ClinGen allele CA393087133.
Genomic context (GRCh38, chr15:73,323,214, plus strand): 5'-CCGGGAGGCTGGCCCAGCTGCCCGGGGCTAGATGACGGGGATCTGGATGAGGGTGGGGGT[G>T]GCAGGAAGTGCTCCGGGAGTCCCAGGCCTCCCCGGGCCCCGGGTGGCGCGGGAGATGGCT-3'
Protein context (NP_005468.1, residues 950-970): GGLGLPEHFL[Pro960Gln]PPPSSRSPSS